The following is an entry in ClinVar:

NM_001114753.3(ENG):c.1241T>C (p.Met414Thr)

Genes: ENG (endoglin; minus strand), LOC102723566 (uncharacterized LOC102723566; plus strand). Cytogenetic location: 9q34.11.
Variant type: single nucleotide variant.
Coding change: c.1241T>C on transcript NM_001114753.3 (MANE Select); coding-DNA position 1241, T replaced by C.
Protein change: p.Met414Thr; replaces methionine 414 with threonine.
Molecular consequence: missense variant.
Genome position (GRCh38, 1-based): chr9:127,819,931, A>G on the plus strand (T>C on the coding strand, the complement: ENG is on the minus strand). VCF-style: chr9-127819931-A-G. GRCh37 (hg19) VCF-style: chr9-130582210-A-G.
Other names: c.1241T>C, p.Met414Thr (NM_000118.4); c.695T>C, p.Met232Thr (NM_001278138.2); short protein forms M414T, M232T.
Identifiers: ClinVar variation 914519 (VCV000914519.12), dbSNP rs1830432509, ClinGen allele CA374978378.

ClinVar aggregate classification (germline): Uncertain significance. Review status: criteria provided, multiple submitters, no conflicts (2 of 4 stars). 2 submissions from 2 submitters: Uncertain significance (2). Last evaluated 2022-02-25.

Conditions:
Telangiectasia, hereditary hemorrhagic, type 1 (HHT1). Also called: Osler Weber Rendu syndrome type 1; ENG-Related Hereditary Hemorrhagic Telangiectasia. Identifiers: Orphanet 774, MedGen C4551861, MONDO:0008535, OMIM 187300. Disease mechanism: loss of function.
Hereditary hemorrhagic telangiectasia (HHT). Also called: ORW DISEASE; Osler Weber Rendu syndrome; OSLER-RENDU-WEBER DISEASE; Osler hemorrhagic telangiectasia syndrome. Identifiers: Orphanet 774, MedGen C0039445, MONDO:0019180. Disease mechanism: loss of function.

Allele frequency attached by ClinVar (database versions not stated): gnomAD exomes 0.00002.
gnomAD v4.1: 31 of 1,614,250 alleles (0.0019%); highest among the groups gnomAD compares: Non-Finnish European, 0.0026%; no homozygotes.

Submissions (2):

Labcorp Genetics (formerly Invitae), Labcorp
Classification: Uncertain significance for Hereditary hemorrhagic telangiectasia. Last evaluated: 2022-02-25. Review status: criteria provided, single submitter. Criteria: Invitae Variant Classification Sherloc (09022015). Collection method: clinical testing. Allele origin: germline.
Comment: This sequence change replaces methionine, which is neutral and non-polar, with threonine, which is neutral and polar, at codon 414 of the ENG protein (p.Met414Thr). This variant is not present in population databases (gnomAD no frequency). This variant has not been reported in the literature in individuals affected with ENG-related conditions. ClinVar contains an entry for this variant (Variation ID: 914519). Advanced modeling of protein sequence and biophysical properties (such as structural, functional, and spatial information, amino acid conservation, physicochemical variation, residue mobility, and thermodynamic stability) performed at Invitae indicates that this missense variant is not expected to disrupt ENG protein function. In summary, the available evidence is currently insufficient to determine the role of this variant in disease. Therefore, it has been classified as a Variant of Uncertain Significance.

Illumina Laboratory Services, Illumina
Classification: Uncertain significance for Telangiectasia, hereditary hemorrhagic, type 1. Last evaluated: 2018-01-12. Review status: criteria provided, single submitter. Criteria: ICSL Variant Classification Criteria 13 December 2019. Collection method: clinical testing. Allele origin: germline.